The following is an entry in ClinVar:

NM_006231.4(POLE):c.5068G>C (p.Ala1690Pro)

Gene: POLE (DNA polymerase epsilon, catalytic subunit; minus strand). Cytogenetic location: 12q24.33.
Variant type: single nucleotide variant.
Coding change: c.5068G>C on transcript NM_006231.4 (MANE Select); coding-DNA position 5068, G replaced by C.
Protein change: p.Ala1690Pro; replaces alanine 1690 with proline.
Molecular consequence: missense variant.
Genome position (GRCh38, 1-based): chr12:132,642,282, C>G on the plus strand (G>C on the coding strand, the complement: POLE is on the minus strand). VCF-style: chr12-132642282-C-G. GRCh37 (hg19) VCF-style: chr12-133218868-C-G.
Other names: short protein forms A1690P.
Identifiers: ClinVar variation 3308360 (VCV003308360.3).

ClinVar aggregate classification (germline): Uncertain significance. Review status: criteria provided, multiple submitters, no conflicts (2 of 4 stars). 2 submissions from 2 submitters: Uncertain significance (2). Last evaluated 2024-07-13.

Conditions:
Hereditary cancer-predisposing syndrome. Also called: Tumor predisposition; Hereditary Cancer Syndrome; Hereditary neoplastic syndrome; Neoplastic Syndromes, Hereditary. Identifiers: Orphanet 140162, MedGen C0027672, MeSH D009386, MONDO:0015356.

gnomAD v4.1: 1 of 1,608,800 alleles (0.000062%); highest among the groups gnomAD compares: Non-Finnish European, 0.000085%; no homozygotes.

Submissions (2):

Labcorp Genetics (formerly Invitae), Labcorp
Classification: Uncertain significance. Last evaluated: 2024-07-13. Review status: criteria provided, single submitter. Criteria: Invitae Variant Classification Sherloc (09022015). Collection method: clinical testing. Allele origin: germline.
Comment: This sequence change replaces alanine, which is neutral and non-polar, with proline, which is neutral and non-polar, at codon 1690 of the POLE protein (p.Ala1690Pro). This variant is not present in population databases (gnomAD no frequency). This variant has not been reported in the literature in individuals affected with POLE-related conditions. Advanced modeling of protein sequence and biophysical properties (such as structural, functional, and spatial information, amino acid conservation, physicochemical variation, residue mobility, and thermodynamic stability) performed at Invitae indicates that this missense variant is not expected to disrupt POLE protein function with a negative predictive value of 80%. In summary, the available evidence is currently insufficient to determine the role of this variant in disease. Therefore, it has been classified as a Variant of Uncertain Significance.

Ambry Genetics
Classification: Uncertain significance for Hereditary cancer-predisposing syndrome. Last evaluated: 2024-03-27. Review status: criteria provided, single submitter. Criteria: Ambry Variant Classification Scheme 2023. Collection method: clinical testing. Allele origin: germline.
Comment: The p.A1690P variant (also known as c.5068G>C), located in coding exon 38 of the POLE gene, results from a G to C substitution at nucleotide position 5068. The alanine at codon 1690 is replaced by proline, an amino acid with highly similar properties. This amino acid position is conserved. In addition, this alteration is predicted to be tolerated by in silico analysis. Based on the available evidence, the clinical significance of this alteration remains unclear.